The following is an entry in ClinVar:

NM_001256715.2(DNAAF3):c.1293G>T (p.Arg431Ser)

Genes: DNAAF3-AS1 (DNAAF3 antisense RNA 1; plus strand), DNAAF3 (dynein axonemal assembly factor 3; minus strand). Cytogenetic location: 19q13.42.
Variant type: single nucleotide variant.
Coding change: c.1293G>T on transcript NM_001256715.2 (MANE Select); coding-DNA position 1293, G replaced by T.
Protein change: p.Arg431Ser; replaces arginine 431 with serine.
Molecular consequence: missense variant.
Genome position (GRCh38, 1-based): chr19:55,159,395, C>A on the plus strand (G>T on the coding strand, the complement: DNAAF3 is on the minus strand). VCF-style: chr19-55159395-C-A. GRCh37 (hg19) VCF-style: chr19-55670763-C-A.
Other names: c.1494G>T, p.Arg498Ser (NM_001256714.1); c.1131G>T, p.Arg377Ser (NM_001256716.2); c.1434G>T, p.Arg478Ser (NM_178837.4); short protein forms R431S, R478S, R377S, R498S.
Identifiers: ClinVar variation 1773858 (VCV001773858.2), dbSNP rs2085776209, ClinGen allele CA407447571.

ClinVar aggregate classification (germline): Uncertain significance (1 of 4 stars; one submission).

Conditions:
Primary ciliary dyskinesia. Also called: Ciliary dyskinesia. Identifiers: Orphanet 244, MedGen C0008780, MONDO:0016575, HP:0012265.

Allele frequency attached by ClinVar (database versions not stated): TOPMed below 0.00001.
gnomAD v4.1: 7 of 1,614,156 alleles (0.00043%); highest among the groups gnomAD compares: East Asian, 0.0045%; no homozygotes.

Submission:

Ambry Genetics
Classification: Uncertain significance for Primary ciliary dyskinesia. Last evaluated: 2017-11-16. Review status: criteria provided, single submitter. Criteria: Ambry Variant Classification Scheme 2023. Collection method: clinical testing. Allele origin: germline.
Comment: The p.R498S variant (also known as c.1494G>T), located in coding exon 12 of the DNAAF3 gene, results from a G to T substitution at nucleotide position 1494. The arginine at codon 498 is replaced by serine, an amino acid with dissimilar properties. This amino acid position is poorly conserved in available vertebrate species. In addition, this alteration is predicted to be tolerated by in silico analysis. Since supporting evidence is limited at this time, the clinical significance of this alteration remains unclear.